The following is an entry in ClinVar:

NM_021930.6(RINT1):c.1182T>A (p.Asp394Glu)

Gene: RINT1 (RAD50 interactor 1; plus strand). Cytogenetic location: 7q22.3.
Variant type: single nucleotide variant.
Coding change: c.1182T>A on transcript NM_021930.6 (MANE Select); coding-DNA position 1182, T replaced by A.
Protein change: p.Asp394Glu; replaces aspartic acid 394 with glutamic acid.
Molecular consequence: missense variant. On other transcripts: non-coding transcript variant (1).
Genome position (GRCh38, 1-based): chr7:105,550,335, T>A. VCF-style: chr7-105550335-T-A. GRCh37 (hg19) VCF-style: chr7-105190782-T-A.
Other names: c.948T>A, p.Asp316Glu (NM_001346599.2); c.159T>A, p.Asp53Glu (NM_001346600.2, NM_001346603.2); c.258T>A, p.Asp86Glu (NM_001346601.2); short protein forms D394E, D316E, D53E, D86E.
Identifiers: ClinVar variation 2448416 (VCV002448416.2), dbSNP rs1790872996, ClinGen allele CA368809071.

ClinVar aggregate classification (germline): Uncertain significance (1 of 4 stars; one submission).

Submission:

Ambry Genetics
Classification: Uncertain significance. Last evaluated: 2023-01-21. Review status: criteria provided, single submitter. Criteria: Ambry Variant Classification Scheme 2023. Collection method: clinical testing. Allele origin: germline.
Comment: The p.D394E variant (also known as c.1182T>A), located in coding exon 9 of the RINT1 gene, results from a T to A substitution at nucleotide position 1182. The aspartic acid at codon 394 is replaced by glutamic acid, an amino acid with highly similar properties. This amino acid position is conserved. In addition, the in silico prediction for this alteration is inconclusive. Since supporting evidence is limited at this time, the clinical significance of this alteration remains unclear.